The following is an entry in ClinVar:

ClinVar aggregate classification (germline): Pathogenic. Review status: criteria provided, multiple submitters, no conflicts (2 of 4 stars). 22 submissions from 22 submitters: Pathogenic (21). 1 of the submissions does not count toward it. Last evaluated 2026-09-01.

Conditions:
IVD-related disorder. Also called: IVD-related condition.
Inborn genetic diseases. Identifiers: MedGen C0950123, MeSH D030342.
Isovaleryl-CoA dehydrogenase deficiency (IVA). Also called: Isovaleric acidemia; Classic Isovaleric Acidemia; ISOVALERIC ACID CoA DEHYDROGENASE DEFICIENCY; IVD DEFICIENCY. Identifiers: Orphanet 33, MedGen C0268575, MONDO:0009475, OMIM 243500.

Allele frequency attached by ClinVar (database versions not stated): 1000 Genomes Project 30x 0.00031; 1000 Genomes Project 0.00040; gnomAD exomes 0.00064; TOPMed 0.00066; ExAC 0.00073; gnomAD 0.00074 and 0.00077.
gnomAD v4.1: 1,455 of 1,614,156 alleles (0.09%); highest among the groups gnomAD compares: Non-Finnish European, 0.12%; no homozygotes.

Submissions 1 to 9 of 22:

CeGaT Center for Human Genetics Tuebingen
Classification: Pathogenic. Last evaluated: 2026-09-01. Review status: criteria provided, single submitter. Criteria: CeGaT Center For Human Genetics Tuebingen Variant Classification Criteria Version 2. Collection method: clinical testing. Allele origin: germline. Affected: yes. Observed: 5 variant alleles.
Comment: IVD: PM3:Strong, PM1, PM2, PP4, PS3:Supporting

PreventionGenetics, part of Exact Sciences
Classification: Pathogenic for IVD-related condition. Last evaluated: 2026-04-13. Review status: criteria provided, single submitter. Criteria: ACMG Guidelines, 2015. Collection method: clinical testing. Allele origin: germline.
Comment: The IVD c.941C>T variant is predicted to result in the amino acid substitution p.Ala314Val. This variant, which has also been described as 932C>T (A282V) in the literature, has been documented causative for isovaleric acidemia and has been reported to be associated with a more clinically mild phenotype or found in asymptomatic individuals identified by newborn screening (Mohsen et al. 1998. PubMed ID: 9665741; Ensenauer et al. 2004. PubMed ID: 15486829; Vockley and Ensenauer. 2006. PubMed ID: 16602101; Couce et al. 2017. PubMed ID: 27904153). In functional studies, the activity of the IVD enzyme with the p.Ala314Val substitution was reduced to <20% of wild-type (Mohsen et al. 1998. PubMed ID: 9665741). This variant is reported in 0.12% of alleles in individuals of European (Non-Finnish) descent in gnomAD. Taken together, this variant is interpreted as pathogenic.

Labcorp Genetics (formerly Invitae), Labcorp
Classification: Pathogenic for Isovaleryl-CoA dehydrogenase deficiency. Last evaluated: 2026-02-01. Review status: criteria provided, single submitter. Criteria: Invitae Variant Classification Sherloc (09022015). Collection method: clinical testing. Allele origin: germline.
Comment: This sequence change replaces alanine, which is neutral and non-polar, with valine, which is neutral and non-polar, at codon 314 of the IVD protein (p.Ala314Val). This variant is present in population databases (rs28940889, gnomAD 0.1%), and has an allele count higher than expected for a pathogenic variant. This missense change has been observed in individual(s) with NBS or mild elevations of isovaleric acidemia-related metabolites and residual IVD enzyme activity (PMID: 15486829). In at least one individual the data is consistent with being in trans (on the opposite chromosome) from a pathogenic variant. This variant is also known as p.Ala282Val. ClinVar contains an entry for this variant (Variation ID: 100060). An algorithm developed to predict the effect of missense changes on protein structure and function (PolyPhen-2) suggests that this variant is likely to be disruptive. Experimental studies have shown that this missense change affects IVD function (PMID: 9665741). For these reasons, this variant has been classified as Pathogenic.

Ambry Genetics
Classification: Pathogenic for Inborn genetic diseases. Last evaluated: 2026-01-14. Review status: criteria provided, single submitter. Criteria: Ambry Variant Classification Scheme 2023. Collection method: clinical testing. Allele origin: germline.
Comment: The c.941C>T (p.A314V) alteration is located in exon 9 (coding exon 9) of the IVD gene. This alteration results from a C to T substitution at nucleotide position 941, causing the alanine (A) at amino acid position 314 to be replaced by a valine (V). Based on data from gnomAD, the T allele has an overall frequency of 0.065% (184/282758) total alleles studied. The highest observed frequency was 0.121% (156/129130) of European (non-Finnish) alleles. This variant has been reported in the homozygous state and/or in conjunction with other IVD variants in individuals with isovaleric acidemia (IVA) (Ensenauer, 2004; Lambrecht, 2015; M&uuml;tze, 2021; Szymaska, 2020; Tangeraas, 2020). Most patients are reported to have mild elevation of isovalerylcarnitine, but are clinically asymptomatic (Ensenauer, 2004; Lambrecht, 2015; M&uuml;tze, 2021). A few patients have been reported with a mild symptomatic form of IVA (M&uuml;tze, 2021; Szymaska, 2020). Note, this variant is also referred to as A282V in the literature. This amino acid position is highly conserved in available vertebrate species. When expressed in E. coli, this variant was shown to result in a less stable protein which was catalytically less efficient as compared to wild-type (Mohsen, 1998). Biochemical studies using lymphocytes and fibroblasts from patients homozygous for this variant showed accumulation of isovalerylcarnitine in the cell medium, but at levels lower than patients with other known pathogenic variants (Ensenauer, 2004). This variant has also been shown to have diminished thermal stability (Nasser, 2004). This alteration is predicted to be deleterious by in silico analysis. Based on the available evidence, this alteration is classified as pathogenic.

Natera, Inc.
Classification: Pathogenic for Isovaleryl-coa dehydrogenase deficiency. Last evaluated: 2025-11-19. Review status: criteria provided, single submitter. Criteria: Natera Variant Classification Schema (03/2026). Collection method: clinical testing. Allele origin: germline.
Comment: The c.941C>T variant in IVD is a missense variant predicted to cause substitution of alanine to valine at amino acid 314. This variant is rare in the general population with a frequency below the threshold expected for the associated phenotype(s). This variant has been observed in one or more individuals affected with the associated recessive disease, as either homozygous or compound heterozygous with a second variant (PMID: 27904153, 15486829). Computational prediction algorithms indicate this variant is likely to affect gene or protein function. Given the available evidence, this variant is classified as Pathogenic.

Genomic Medicine Center of Excellence, King Faisal Specialist Hospital and Research Centre
Classification: Pathogenic for Isovaleryl-CoA dehydrogenase deficiency. Last evaluated: 2025-09-10. Review status: criteria provided, single submitter. Criteria: ACMG Guidelines, 2015. Collection method: clinical testing. Allele origin: germline.

GeneDx
Classification: Pathogenic. Last evaluated: 2025-08-19. Review status: criteria provided, single submitter. Criteria: GeneDx Variant Classification Process June 2021. Collection method: clinical testing. Allele origin: germline. Affected: yes.
Comment: Reported in association with isovaleric acidemia (IVA) and has been found in a homozygous or compound heterozygous state with another IVD pathogenic variant in approximately two-thirds of newborns with IVA diagnosed by newborn screening (PMID: 15486829); Thus far, all of the newborns harboring A314V, including compound heterozygotes for this variant, have a mild biochemical phenotype and have remained asymptomatic with no or limited treatment (PMID: 15486829); Published functional studies demonstrate A314V results in reduced isovaleryl-CoA dehydrogenase activity compared to wild-type (PMID: 9665741); In silico analysis suggests that this missense variant does not alter protein structure/function; This variant is associated with the following publications: (PMID: 34535384, 25087612, 31980526, 29431110, 31707166, 34426522, 9665741, 15486829, 32977617, 37443404, 32778825, 33496032, 16602101, 38523675, 26937393, 22960500, 22995991, 26018748, 27904153, 15337167, 28631226)

Dasa
Classification: Pathogenic. Last evaluated: 2025-08-16. Review status: criteria provided, single submitter. Criteria: DASA Assertion Criteria. Collection method: clinical testing. Allele origin: germline.
Comment: NM_002225.5(IVD):c.932C>T (p.Ala311Val) is a missense variant that results in the substitution of alanine with valine. Functional evidence supports a deleterious effect on the gene or gene product. Multiple computational predictions support a deleterious effect on the gene or gene product. The variant is present at low frequency in population datasets. Based on the available data, this variant is classified as pathogenic.

First Genomix Gene Laboratory, Genetic Diagnostics Department
Classification: Pathogenic for Isovaleryl-CoA dehydrogenase deficiency. Last evaluated: 2025-03-25. Review status: criteria provided, single submitter. Criteria: ACMG Guidelines, 2015. Collection method: clinical testing. Allele origin: germline. Inheritance: Autosomal recessive inheritance. Affected: no. Observed: 1 variant allele.

NM_002225.5(IVD):c.932C>T (p.Ala311Val)

Gene: IVD (isovaleryl-CoA dehydrogenase; plus strand). Cytogenetic location: 15q15.1.
Variant type: single nucleotide variant.
Coding change: c.932C>T on transcript NM_002225.5 (MANE Select); coding-DNA position 932, C replaced by T.
Protein change: p.Ala311Val; replaces alanine 311 with valine.
Molecular consequence: missense variant. On other transcripts: non-coding transcript variant (1).
Genome position (GRCh38, 1-based): chr15:40,415,454, C>T. VCF-style: chr15-40415454-C-T. GRCh37 (hg19) VCF-style: chr15-40707653-C-T.
Other names: A282V; p.A314V:GCC>GTC; c.842C>T, p.Ala281Val (NM_001159508.3); c.884C>T, p.Ala295Val (NM_001354597.3); c.932C>T, p.Ala311Val (NM_001354598.3, NM_001354601.3); c.1019C>T, p.Ala340Val (NM_001354599.3, NM_001354600.3); short protein forms A281V, A295V, A311V, A340V.
Identifiers: ClinVar variation 100060 (VCV000100060.80), dbSNP rs28940889, ClinGen allele CA252819.